The following is an entry in ClinVar:

ClinVar aggregate classification (germline): Likely benign. Review status: criteria provided, multiple submitters, no conflicts (2 of 4 stars). 3 submissions from 3 submitters: Likely benign (3). Last evaluated 2025-08-25.

Conditions:
Fanconi anemia (FA). Also called: Fanconi's anemia. Identifiers: Orphanet 84, MedGen C0015625, MeSH D005199, MONDO:0019391.

Allele frequency attached by ClinVar (database versions not stated): gnomAD 0.00003; TOPMed 0.00005; ESP Exome Variant Server 0.00015.
gnomAD v4.1: 30 of 1,613,812 alleles (0.0019%); highest among the groups gnomAD compares: Non-Finnish European, 0.0024%; no homozygotes.

Submissions (3):

Labcorp Genetics (formerly Invitae), Labcorp
Classification: Likely benign for Fanconi anemia. Last evaluated: 2025-08-25. Review status: criteria provided, single submitter. Criteria: Invitae Variant Classification Sherloc (09022015). Collection method: clinical testing. Allele origin: germline.

CeGaT Center for Human Genetics Tuebingen
Classification: Likely benign. Last evaluated: 2022-03-01. Review status: criteria provided, single submitter. Criteria: CeGaT Center For Human Genetics Tuebingen Variant Classification Criteria Version 2. Collection method: clinical testing. Allele origin: germline. Affected: yes. Observed: 1 variant allele.
Comment: FANCF: BP4, BP7

Blueprint Genetics
Classification: Likely benign. Last evaluated: 2021-03-12. Review status: criteria provided, single submitter. Criteria: ACMG Guidelines, 2015. Collection method: clinical testing. Allele origin: germline.

NM_022725.4(FANCF):c.234G>A (p.Pro78=)

Gene: FANCF (FA complementation group F; minus strand). Cytogenetic location: 11p14.3.
Variant type: single nucleotide variant.
Coding change: c.234G>A on transcript NM_022725.4 (MANE Select); coding-DNA position 234, G replaced by A.
Protein change: p.Pro78=; no amino-acid change (proline 78 retained).
Molecular consequence: synonymous variant.
Genome position (GRCh38, 1-based): chr11:22,625,577, C>T on the plus strand (G>A on the coding strand, the complement: FANCF is on the minus strand). VCF-style: chr11-22625577-C-T. GRCh37 (hg19) VCF-style: chr11-22647123-C-T.
Identifiers: ClinVar variation 699992 (VCV000699992.35), dbSNP rs144503236, ClinGen allele CA5924395.